The following is an entry in ClinVar:

ClinVar aggregate classification (germline): Uncertain significance (1 of 4 stars; one submission).

gnomAD v4.1: 2 of 1,614,060 alleles (0.00012%); highest among the groups gnomAD compares: Non-Finnish European, 0.00017%; no homozygotes.

Submission:

Labcorp Genetics (formerly Invitae), Labcorp
Classification: Uncertain significance. Last evaluated: 2025-04-10. Review status: criteria provided, single submitter. Criteria: Invitae Variant Classification Sherloc (09022015). Collection method: clinical testing. Allele origin: germline.
Comment: This sequence change replaces proline, which is neutral and non-polar, with leucine, which is neutral and non-polar, at codon 1249 of the SON protein (p.Pro1249Leu). This variant is present in population databases (rs767171313, gnomAD 0.002%). This variant has not been reported in the literature in individuals affected with SON-related conditions. An algorithm developed to predict the effect of missense changes on protein structure and function (PolyPhen-2) suggests that this variant is likely to be disruptive. In summary, the available evidence is currently insufficient to determine the role of this variant in disease. Therefore, it has been classified as a Variant of Uncertain Significance.

NM_138927.4(SON):c.3746C>T (p.Pro1249Leu)

Gene: SON (SON DNA and RNA binding protein; plus strand). Cytogenetic location: 21q22.11.
Variant type: single nucleotide variant.
Coding change: c.3746C>T on transcript NM_138927.4 (MANE Select); coding-DNA position 3746, C replaced by T.
Protein change: p.Pro1249Leu; replaces proline 1249 with leucine.
Molecular consequence: missense variant. On other transcripts: non-coding transcript variant (1), intron variant (1).
Genome position (GRCh38, 1-based): chr21:33,552,977, C>T. VCF-style: chr21-33552977-C-T. GRCh37 (hg19) VCF-style: chr21-34925283-C-T.
Other names: c.3746C>T, p.Pro1249Leu (NM_001291411.2, NM_032195.3); c.245-4179C>T (NM_001291412.3); short protein forms P1249L.
Identifiers: ClinVar variation 4712073 (VCV004712073.1).